The following is an entry in ClinVar:

NM_001318734.2(KLC2):c.1429C>T (p.Arg477Cys)

Gene: KLC2 (kinesin light chain 2; plus strand). Cytogenetic location: 11q13.2.
Variant type: single nucleotide variant.
Coding change: c.1429C>T on transcript NM_001318734.2 (MANE Select); coding-DNA position 1429, C replaced by T.
Protein change: p.Arg477Cys; replaces arginine 477 with cysteine.
Molecular consequence: missense variant.
Genome position (GRCh38, 1-based): chr11:66,265,749, C>T. VCF-style: chr11-66265749-C-T. GRCh37 (hg19) VCF-style: chr11-66033220-C-T.
Other names: c.1198C>T, p.Arg400Cys (NM_001134774.2); c.1429C>T, p.Arg477Cys (NM_001134775.2, NM_001134776.2, NM_022822.3); short protein forms R400C, R477C.
Identifiers: ClinVar variation 3347654 (VCV003347654.1).

ClinVar aggregate classification (germline): Uncertain significance (0 of 4 stars; one submission).

Conditions:
KLC2-related disorder. Also called: KLC2-related condition.

Submission:

PreventionGenetics, part of Exact Sciences
Classification: Uncertain significance for KLC2-related condition. Last evaluated: 2024-08-21. Review status: no assertion criteria provided. Collection method: clinical testing. Allele origin: germline.
Comment: The KLC2 c.1198C>T variant is predicted to result in the amino acid substitution p.Arg400Cys. To our knowledge, this variant has not been reported in the literature or in a large population database, indicating this variant is rare. At this time, the clinical significance of this variant is uncertain due to the absence of conclusive functional and genetic evidence.